The following is an entry in ClinVar:

ClinVar aggregate classification (germline): Uncertain significance (1 of 4 stars; one submission).

Submission:

Labcorp Genetics (formerly Invitae), Labcorp
Classification: Uncertain significance. Last evaluated: 2022-09-18. Review status: criteria provided, single submitter. Criteria: Invitae Variant Classification Sherloc (09022015). Collection method: clinical testing. Allele origin: germline.
Comment: In summary, the available evidence is currently insufficient to determine the role of this variant in disease. Therefore, it has been classified as a Variant of Uncertain Significance. This variant has not been reported in the literature in individuals affected with SEC61A1-related conditions. This variant is a gross deletion of the genomic region encompassing exon(s) 1-8 of the SEC61A1 gene, which includes the initiator codon. This deletion extends beyond the assayed region for this gene and therefore may encompass additional genes. It is expected to result in an absent or disrupted protein product. However, the current clinical and genetic evidence is not sufficient to establish whether loss-of-function variants in SEC61A1 cause disease.

NC_000003.11:g.(?_126707437)_(127783900_?)del

Genes: ABTB1 (ankyrin repeat and BTB domain containing 1; plus strand), KBTBD12 (kelch repeat and BTB domain containing 12; plus strand), MCM2 (minichromosome maintenance complex component 2; plus strand), MGLL (monoglyceride lipase; minus strand), PLXNA1 (plexin A1; plus strand) and 4 more. Cytogenetic location: 3q21.3.
Variant type: Deletion.
Identifiers: ClinVar variation 2425851 (VCV002425851.3).